The following is an entry in ClinVar:

NM_005477.3(HCN4):c.2359G>T (p.Ala787Ser)

Gene: HCN4 (hyperpolarization activated cyclic nucleotide gated potassium channel 4; minus strand). Cytogenetic location: 15q24.1.
Variant type: single nucleotide variant.
Coding change: c.2359G>T on transcript NM_005477.3 (MANE Select); coding-DNA position 2359, G replaced by T.
Protein change: p.Ala787Ser; replaces alanine 787 with serine.
Molecular consequence: missense variant.
Genome position (GRCh38, 1-based): chr15:73,323,734, C>A on the plus strand (G>T on the coding strand, the complement: HCN4 is on the minus strand). VCF-style: chr15-73323734-C-A. GRCh37 (hg19) VCF-style: chr15-73616075-C-A.
Other names: short protein forms A787S.
Identifiers: ClinVar variation 2450260 (VCV002450260.2), dbSNP rs2549069107, ClinGen allele CA393089044.

ClinVar aggregate classification (germline): Uncertain significance (1 of 4 stars; one submission).

Conditions:
Cardiovascular phenotype. Identifiers: MedGen CN230736.

Submission:

Ambry Genetics
Classification: Uncertain significance for Cardiovascular phenotype. Last evaluated: 2022-12-17. Review status: criteria provided, single submitter. Criteria: Ambry Variant Classification Scheme 2023. Collection method: clinical testing. Allele origin: germline.
Comment: The p.A787S variant (also known as c.2359G>T), located in coding exon 8 of the HCN4 gene, results from a G to T substitution at nucleotide position 2359. The alanine at codon 787 is replaced by serine, an amino acid with similar properties. This amino acid position is conserved. In addition, the in silico prediction for this alteration is inconclusive. Since supporting evidence is limited at this time, the clinical significance of this alteration remains unclear.